The following is an entry in ClinVar:

NM_001370259.2(MEN1):c.1616C>T (p.Ala539Val)

Gene: MEN1 (menin 1; minus strand). Cytogenetic location: 11q13.1.
Variant type: single nucleotide variant.
Coding change: c.1616C>T on transcript NM_001370259.2 (MANE Select); coding-DNA position 1616, C replaced by T.
Protein change: p.Ala539Val; replaces alanine 539 with valine.
Molecular consequence: missense variant.
Genome position (GRCh38, 1-based): chr11:64,804,551, G>A on the plus strand (C>T on the coding strand, the complement: MEN1 is on the minus strand). VCF-style: chr11-64804551-G-A. GRCh37 (hg19) VCF-style: chr11-64572023-G-A.
Other names: c.1631C>T, p.Ala544Val (NM_000244.4, NM_001407145.1, NM_130800.3 and 4 more transcripts); c.1742C>T, p.Ala581Val (NM_001370251.2, NM_001407142.1, NM_001407143.1 and 1 more transcripts); c.1616C>T, p.Ala539Val (NM_001370260.2, NM_001370261.2, NM_001407146.1 and 2 more transcripts); c.1511C>T, p.Ala504Val (NM_001370262.2, NM_001370263.2, NM_001407148.1 and 1 more transcripts); c.1757C>T, p.Ala586Val (NM_001407150.1); c.1637C>T, p.Ala546Val (NM_001407151.1); c.1451C>T, p.Ala484Val (NM_001407152.1); short protein forms A484V, A544V, A504V, A546V, A539V, A581V, A586V.
Identifiers: ClinVar variation 1776493 (VCV001776493.7), dbSNP rs954331570, ClinGen allele CA223911864.

ClinVar aggregate classification (germline): Uncertain significance. Review status: criteria provided, multiple submitters, no conflicts (2 of 4 stars). 2 submissions from 2 submitters: Uncertain significance (2). Last evaluated 2024-08-10.

Conditions:
Hereditary cancer-predisposing syndrome. Also called: Tumor predisposition; Neoplastic Syndromes, Hereditary; Hereditary Cancer Syndrome; Hereditary neoplastic syndrome. Identifiers: Orphanet 140162, MedGen C0027672, MeSH D009386, MONDO:0015356.
Multiple endocrine neoplasia, type 1 (MEN1). Also called: MEN I; WERMER SYNDROME; Endocrine adenomatosis multiple; MEN 1; MEA I. Identifiers: Orphanet 652, MedGen C0025267, MeSH D018761, MONDO:0007540, OMIM 131100.

Allele frequency attached by ClinVar (database versions not stated): TOPMed below 0.00001.

Submissions (2):

Labcorp Genetics (formerly Invitae), Labcorp
Classification: Uncertain significance for Multiple endocrine neoplasia, type 1. Last evaluated: 2024-08-10. Review status: criteria provided, single submitter. Criteria: Invitae Variant Classification Sherloc (09022015). Collection method: clinical testing. Allele origin: germline.
Comment: This sequence change replaces alanine, which is neutral and non-polar, with valine, which is neutral and non-polar, at codon 539 of the MEN1 protein (p.Ala539Val). This variant is not present in population databases (gnomAD no frequency). This variant has not been reported in the literature in individuals affected with MEN1-related conditions. ClinVar contains an entry for this variant (Variation ID: 1776493). An algorithm developed to predict the effect of missense changes on protein structure and function outputs the following: PolyPhen-2: "Benign". The valine amino acid residue is found in multiple mammalian species, which suggests that this missense change does not adversely affect protein function. In summary, the available evidence is currently insufficient to determine the role of this variant in disease. Therefore, it has been classified as a Variant of Uncertain Significance.

Ambry Genetics
Classification: Uncertain significance for Hereditary cancer-predisposing syndrome. Last evaluated: 2022-10-19. Review status: criteria provided, single submitter. Criteria: Ambry Variant Classification Scheme 2023. Collection method: clinical testing. Allele origin: germline.
Comment: The p.A539V variant (also known as c.1616C>T), located in coding exon 9 of the MEN1 gene, results from a C to T substitution at nucleotide position 1616. The alanine at codon 539 is replaced by valine, an amino acid with similar properties. This amino acid position is conserved. In addition, this alteration is predicted to be tolerated by in silico analysis. Since supporting evidence is limited at this time, the clinical significance of this alteration remains unclear.